The following is an entry in ClinVar:

ClinVar aggregate classification (germline): Pathogenic (1 of 4 stars; one submission).

Conditions:
Tuberous sclerosis 1 (TSC1). Identifiers: Orphanet 805, MedGen C1854465, MONDO:0008612, OMIM 191100.

Submission:

Labcorp Genetics (formerly Invitae), Labcorp
Classification: Pathogenic for Tuberous sclerosis 1. Last evaluated: 2022-07-29. Review status: criteria provided, single submitter. Criteria: Invitae Variant Classification Sherloc (09022015). Collection method: clinical testing. Allele origin: germline.
Comment: This sequence change creates a premature translational stop signal (p.Asp693Valfs*11) in the TSC1 gene. It is expected to result in an absent or disrupted protein product. Loss-of-function variants in TSC1 are known to be pathogenic (PMID: 10227394, 17304050). This variant is not present in population databases (gnomAD no frequency). This variant has not been reported in the literature in individuals affected with TSC1-related conditions. For these reasons, this variant has been classified as Pathogenic.

Literature cited by the submitters: PubMed 10227394; PubMed 17304050.

NM_000368.5(TSC1):c.2078_2082del (p.Asp693fs)

Gene: TSC1 (TSC complex subunit 1; minus strand). Cytogenetic location: 9q34.13.
Variant type: Deletion.
Coding change: c.2078_2082del on transcript NM_000368.5 (MANE Select); coding-DNA positions 2078 to 2082, 5 bases deleted (ACCAG; older notation c.2078_2082delACCAG).
Protein change: p.Asp693fs; shifts the reading frame from aspartic acid 693.
Molecular consequence: frameshift variant.
Genome position (GRCh38, 1-based): chr9:132,903,777-132,903,781, CTGGT deleted on the plus strand (ACCAG on the coding strand, the reverse complement: TSC1 is on the minus strand); deleting any 5 consecutive bases within chr9:132,903,777-132,903,783 gives the same sequence; the c. name uses the placement nearest the transcript's 3' end. VCF-style (leftmost placement, unchanged base first): chr9-132903776-ACTGGT-A. GRCh37 (hg19) VCF-style: chr9-135779163-ACTGGT-A.
Other names: c.2075_2079del, p.Asp692fs (NM_001162426.2); c.1925_1929del, p.Asp642fs (NM_001162427.2); c.1715_1719del, p.Asp572fs (NM_001362177.2); c.2076_2080delAGACC, p.Asp693Valfs (NM_001406592.1, NM_001406593.1, NM_001406594.1 and 5 more transcripts); c.2073_2077delAGACC, p.Asp692Valfs (NM_001406597.1, NM_001406598.1, NM_001406599.1 and 3 more transcripts); c.2061_2065delAGACC, p.Asp688Valfs (NM_001406601.1, NM_001406602.1); c.2058_2062delAGACC, p.Asp687Valfs (NM_001406603.1, NM_001406604.1); c.1923_1927delAGACC, p.Asp642Valfs (NM_001406610.1); and 6 more; short protein forms D692fs, D572fs, D642fs, D693fs.
Identifiers: ClinVar variation 2020081 (VCV002020081.4), dbSNP rs2538658112, ClinGen allele CA2580080155.